The following is an entry in ClinVar:

NM_182961.4(SYNE1):c.3899A>G (p.Gln1300Arg)

Gene: SYNE1 (spectrin repeat containing nuclear envelope protein 1; minus strand). Cytogenetic location: 6q25.2.
Variant type: single nucleotide variant.
Coding change: c.3899A>G on transcript NM_182961.4 (MANE Select); coding-DNA position 3899, A replaced by G.
Protein change: p.Gln1300Arg; replaces glutamine 1300 with arginine.
Molecular consequence: missense variant.
Genome position (GRCh38, 1-based): chr6:152,442,184, T>C on the plus strand (A>G on the coding strand, the complement: SYNE1 is on the minus strand). VCF-style: chr6-152442184-T-C. GRCh37 (hg19) VCF-style: chr6-152763319-T-C.
Other names: c.3920A>G, p.Gln1307Arg (NM_033071.5); short protein forms Q1307R, Q1300R.
Identifiers: ClinVar variation 2144470 (VCV002144470.6), dbSNP rs2500037945, ClinGen allele CA366146928.

ClinVar aggregate classification (germline): Uncertain significance. Review status: criteria provided, multiple submitters, no conflicts (2 of 4 stars). 2 submissions from 2 submitters: Uncertain significance (2). Last evaluated 2024-10-16.

Conditions:
Autosomal recessive ataxia, Beauce type. Also called: SYNE1-Related Autosomal Recessive Cerebellar Ataxia; Spinocerebellar ataxia, autosomal recessive 8; ATAXIA, RECESSIVE, OF BEAUCE; SYNE1 Deficiency. Identifiers: Orphanet 88644, MedGen C1853116, MONDO:0012549, OMIM 610743.
Emery-Dreifuss muscular dystrophy 4, autosomal dominant (EDMD4). Also called: EMERY-DREIFUSS MUSCULAR DYSTROPHY 4 WITH VARIABLE FEATURES. Identifiers: Orphanet 261, MedGen C2751807, MONDO:0013071, OMIM 612998.

Allele frequency attached by ClinVar (database versions not stated): gnomAD exomes below 0.00001.
gnomAD v4.1: 1 of 1,613,758 alleles (0.000062%); highest among the groups gnomAD compares: Admixed American, 0.0017%; no homozygotes.

Submissions (2):

Labcorp Genetics (formerly Invitae), Labcorp
Classification: Uncertain significance for Emery-Dreifuss muscular dystrophy 4, autosomal dominant; Autosomal recessive ataxia, Beauce type. Last evaluated: 2024-10-16. Review status: criteria provided, single submitter. Criteria: Invitae Variant Classification Sherloc (09022015). Collection method: clinical testing. Allele origin: germline.
Comment: This sequence change replaces glutamine, which is neutral and polar, with arginine, which is basic and polar, at codon 1307 of the SYNE1 protein (p.Gln1307Arg). This variant is not present in population databases (gnomAD no frequency). This variant has not been reported in the literature in individuals affected with SYNE1-related conditions. ClinVar contains an entry for this variant (Variation ID: 2144470). An algorithm developed to predict the effect of missense changes on protein structure and function outputs the following: PolyPhen-2: "Benign". The arginine amino acid residue is found in multiple mammalian species, which suggests that this missense change does not adversely affect protein function. In summary, the available evidence is currently insufficient to determine the role of this variant in disease. Therefore, it has been classified as a Variant of Uncertain Significance.

Revvity Omics, Revvity
Classification: Uncertain significance. Last evaluated: 2021-04-21. Review status: criteria provided, single submitter. Criteria: ACMG Guidelines, 2015. Collection method: clinical testing. Allele origin: germline.